The following is an entry in ClinVar:

NM_003721.4(RFXANK):c.337+5G>A

Gene: RFXANK (regulatory factor X associated ankyrin containing protein; plus strand). Cytogenetic location: 19p13.11.
Variant type: single nucleotide variant.
Coding change: c.337+5G>A on transcript NM_003721.4 (MANE Select); 5 bases into the intron after coding-DNA position 337, G replaced by A.
Molecular consequence: intron variant.
Genome position (GRCh38, 1-based): chr19:19,197,256, G>A. VCF-style: chr19-19197256-G-A. GRCh37 (hg19) VCF-style: chr19-19308065-G-A.
Other names: c.271+210G>A (NM_001278727.2, NM_001370234.1); c.268+210G>A (NM_134440.3, NM_001278728.2); c.334+5G>A (NM_001370235.1, NM_001370237.1, NM_001370236.1); c.337+5G>A (NM_001370238.1, NM_001370233.1).
Identifiers: ClinVar variation 583327 (VCV000583327.4), dbSNP rs752168879, ClinGen allele CA9322684.

ClinVar aggregate classification (germline): Uncertain significance. Review status: criteria provided, multiple submitters, no conflicts (2 of 4 stars). 2 submissions from 2 submitters: Uncertain significance (2). Last evaluated 2022-07-14.

Conditions:
MHC class II deficiency. Also called: Bare lymphocyte syndrome 2; BLS, TYPE II. Identifiers: Orphanet 572, MedGen C5447452, MONDO:0008855.

Allele frequency attached by ClinVar (database versions not stated): gnomAD exomes 0.00002 and 0.00003; ExAC 0.00003; TOPMed 0.00004; gnomAD 0.00007 and 0.00009.

Submissions (2):

Mayo Clinic Laboratories, Mayo Clinic
Classification: Uncertain significance. Last evaluated: 2022-07-14. Review status: criteria provided, single submitter. Criteria: ACMG Guidelines, 2015. Collection method: clinical testing. Allele origin: germline. Observed: 1 variant allele.

Labcorp Genetics (formerly Invitae), Labcorp
Classification: Uncertain significance for MHC class II deficiency. Last evaluated: 2022-02-08. Review status: criteria provided, single submitter. Criteria: Invitae Variant Classification Sherloc (09022015). Collection method: clinical testing. Allele origin: germline.
Comment: This sequence change falls in intron 5 of the RFXANK gene. It does not directly change the encoded amino acid sequence of the RFXANK protein. It affects a nucleotide within the consensus splice site. This variant is present in population databases (rs752168879, gnomAD 0.008%). This variant has not been reported in the literature in individuals affected with RFXANK-related conditions. ClinVar contains an entry for this variant (Variation ID: 583327). Variants that disrupt the consensus splice site are a relatively common cause of aberrant splicing (PMID: 17576681, 9536098). Algorithms developed to predict the effect of sequence changes on RNA splicing suggest that this variant may disrupt the consensus splice site. In summary, the available evidence is currently insufficient to determine the role of this variant in disease. Therefore, it has been classified as a Variant of Uncertain Significance.

Literature cited by the submitters: PubMed 17576681 (cited by Labcorp Genetics (formerly Invitae), Labcorp); PubMed 9536098 (cited by Labcorp Genetics (formerly Invitae), Labcorp).